The following is an entry in ClinVar:

ClinVar aggregate classification (germline): Uncertain significance (1 of 4 stars; one submission).

Submission:

Labcorp Genetics (formerly Invitae), Labcorp
Classification: Uncertain significance. Last evaluated: 2022-04-14. Review status: criteria provided, single submitter. Criteria: Invitae Variant Classification Sherloc (09022015). Collection method: clinical testing. Allele origin: germline.
Comment: This variant has not been reported in the literature in individuals affected with OPA1-related conditions. This variant is not present in population databases (gnomAD no frequency). This sequence change replaces arginine, which is basic and polar, with serine, which is neutral and polar, at codon 194 of the OPA1 protein (p.Arg194Ser). Advanced modeling of protein sequence and biophysical properties (such as structural, functional, and spatial information, amino acid conservation, physicochemical variation, residue mobility, and thermodynamic stability) performed at Invitae indicates that this missense variant is not expected to disrupt OPA1 protein function. In summary, the available evidence is currently insufficient to determine the role of this variant in disease. Therefore, it has been classified as a Variant of Uncertain Significance.

NM_130837.3(OPA1):c.636A>C (p.Arg212Ser)

Genes: OPA1 (OPA1 mitochondrial dynamin like GTPase; plus strand), OPA1-AS1 (OPA1 antisense RNA 1; minus strand). Cytogenetic location: 3q29.
Variant type: single nucleotide variant.
Coding change: c.636A>C on transcript NM_130837.3 (MANE Select); coding-DNA position 636, A replaced by C.
Protein change: p.Arg212Ser; replaces arginine 212 with serine.
Molecular consequence: missense variant. On other transcripts: non-coding transcript variant (1).
Genome position (GRCh38, 1-based): chr3:193,618,894, A>C. VCF-style: chr3-193618894-A-C. GRCh37 (hg19) VCF-style: chr3-193336683-A-C.
Other names: c.102A>C, p.Arg34Ser (NM_001354663.2); c.210A>C, p.Arg70Ser (NM_001354664.2); c.582A>C, p.Arg194Ser (NM_015560.3, NM_130836.3); c.474A>C, p.Arg158Ser (NM_130831.3, NM_130833.3); c.528A>C, p.Arg176Ser (NM_130832.3, NM_130835.3); c.636A>C, p.Arg212Ser (NM_130834.3); short protein forms R194S, R212S, R158S, R176S, R34S, R70S.
Identifiers: ClinVar variation 1927071 (VCV001927071.5), dbSNP rs2474622280, ClinGen allele CA355788218.